The following is an entry in ClinVar:

NM_001323289.2(CDKL5):c.503dup (p.Tyr168Ter)

Gene: CDKL5 (cyclin dependent kinase like 5; plus strand). Cytogenetic location: Xp22.13.
Variant type: Duplication.
Coding change: c.503dup on transcript NM_001323289.2 (MANE Select); coding-DNA position 503, one base duplicated (A; older notation c.503dupA).
Protein change: p.Tyr168Ter; replaces tyrosine 168 with a stop codon.
Molecular consequence: nonsense.
Genome position (GRCh38, 1-based): chrX:18,584,302, A duplicated. VCF-style (leftmost placement, unchanged base first): chrX-18584301-T-TA. GRCh37 (hg19) VCF-style: chrX-18602421-T-TA.
Other names: c.503dup, p.Tyr168Ter (NM_001037343.2, NM_003159.3); short protein forms Y168*.
Identifiers: ClinVar variation 2948998 (VCV002948998.3), dbSNP rs2518853500, ClinGen allele CA2740092041.
Genomic context (GRCh38, chrX:18,584,301, plus strand): 5'-TTTGGACTTTGCTATCTTTCAGGTTTTGCTCGTAATCTGTCAGAAGGCAATAATGCTAAT[T>TA]ACACAGAGTACGTTGCCACCAGATGGTATCGGTCCCCAGAACTCTTACTTGGGTGAGTTA-3'

ClinVar aggregate classification (germline): Pathogenic (1 of 4 stars; one submission).

Conditions:
Developmental and epileptic encephalopathy, 2 (DEE2). Also called: INFANTILE SPASM SYNDROME, X-LINKED 2; CDKL5 deficiency disorder. Identifiers: Orphanet 1934, Orphanet 3451, Orphanet 505652, MedGen C4750718, MONDO:0010396, OMIM 300672.
Angelman syndrome-like. Identifiers: MedGen CN128785.

Submission:

Labcorp Genetics (formerly Invitae), Labcorp
Classification: Pathogenic for Developmental and epileptic encephalopathy, 2; Angelman syndrome-like. Last evaluated: 2023-06-18. Review status: criteria provided, single submitter. Criteria: Invitae Variant Classification Sherloc (09022015). Collection method: clinical testing. Allele origin: germline.
Comment: For these reasons, this variant has been classified as Pathogenic. This variant has not been reported in the literature in individuals affected with CDKL5-related conditions. This variant is not present in population databases (gnomAD no frequency). This sequence change creates a premature translational stop signal (p.Tyr168*) in the CDKL5 gene. It is expected to result in an absent or disrupted protein product. Loss-of-function variants in CDKL5 are known to be pathogenic (PMID: 22872100).

Literature cited by the submitters: PubMed 22872100.